The following is an entry in ClinVar:

ClinVar aggregate classification (germline): Uncertain significance (1 of 4 stars; one submission).

gnomAD v4.1: 6 of 1,598,664 alleles (0.00038%); highest among the groups gnomAD compares: African/African-American, 0.0053%; no homozygotes.

Submission:

Dasa
Classification: Uncertain significance. Last evaluated: 2025-01-09. Review status: criteria provided, single submitter. Criteria: DASA Assertion Criteria. Collection method: clinical testing. Allele origin: germline.
Comment: NM_152558.5(IQCE):c.259+1G>A affects a canonical splice site and is predicted to disrupt normal RNA splicing. This variant is rare in population databases. The currently available literature and clinical evidence are not sufficient to establish a definitive association between this variant and the reported condition. Therefore, this variant is classified as a variant of uncertain significance.

NM_152558.5(IQCE):c.259+1G>A

Genes: IQCE (IQ motif containing E; plus strand), LOC126859928 (CDK7 strongly-dependent group 2 enhancer GRCh37_chr7:2611286-2612485; plus strand). Cytogenetic location: 7p22.3.
Variant type: single nucleotide variant.
Coding change: c.259+1G>A on transcript NM_152558.5 (MANE Select); the canonical splice donor site of the intron after coding-DNA position 259, G replaced by A.
Molecular consequence: splice donor variant.
Genome position (GRCh38, 1-based): chr7:2,571,655, G>A. VCF-style: chr7-2571655-G-A. GRCh37 (hg19) VCF-style: chr7-2611289-G-A.
Other names: c.211+1G>A (NM_001410865.1, NM_001287500.2); c.64+1G>A (NM_001287501.2, NM_001287502.2); c.259+1G>A (NM_001287499.2).
Identifiers: ClinVar variation 4881260 (VCV004881260.2).
Genomic context (GRCh38, chr7:2,571,655, plus strand): 5'-CTCTGGGCGGCCGAGCGTCCCTGACCCCGCAGAAGCTGTGGCTGGGAACCGCAAAGCCAG[G>A]TATGTGGTTGTCGCACTGGAGACCCTTCCTGCTTGAGAGAAGAGTTCGAGAAATTTCAGG-3'